The following is an entry in ClinVar:

ClinVar aggregate classification (germline): Conflicting classifications of pathogenicity. Review status: criteria provided, conflicting classifications (1 of 4 stars). 11 submissions from 10 submitters: Uncertain significance (1); Benign (9). 1 of the submissions does not count toward it. Last evaluated 2026-01-28.

Conditions:
Monogenic diabetes. Identifiers: Orphanet 183625, MedGen C3888631, MONDO:0015967.
Maturity-onset diabetes of the young (MODY). Also called: Maturity onset diabetes mellitus in young. Identifiers: Orphanet 552, MedGen C0342276, MONDO:0018911, HP:0004904.
Diabetes mellitus type 2, susceptibility to. Identifiers: MedGen C3837967.
Neonatal diabetes mellitus (NDM). Identifiers: Orphanet 224, MedGen C0158981, MONDO:0016391.
Maturity-onset diabetes of the young type 4 (MODY4). Also called: MODY, type IV; Maturity-onset diabetes of the young, type IV. Identifiers: Orphanet 552, MedGen C1833382, MONDO:0011667, OMIM 606392.

Submissions (11):

Labcorp Genetics (formerly Invitae), Labcorp
Classification: Benign. Last evaluated: 2026-01-28. Review status: criteria provided, single submitter. Criteria: Invitae Variant Classification Sherloc (09022015). Collection method: clinical testing. Allele origin: germline.

Athena Diagnostics
Classification: Benign. Last evaluated: 2024-06-11. Review status: criteria provided, single submitter. Criteria: Athena Diagnostics Criteria. Collection method: clinical testing. Allele origin: unknown.

ARUP Laboratories, Molecular Genetics and Genomics, ARUP Laboratories
Classification: Benign. Last evaluated: 2023-11-06. Review status: criteria provided, single submitter. Criteria: ARUP Molecular Germline Variant Investigation Process 2024. Collection method: clinical testing. Allele origin: germline.

Mendelics
Classification: Benign for Maturity-onset diabetes of the young type 4. Last evaluated: 2019-05-28. Review status: criteria provided, single submitter. Criteria: Mendelics Assertion Criteria 2017. Collection method: clinical testing. Allele origin: unknown.

GeneDx
Classification: Benign. Last evaluated: 2019-01-10. Review status: criteria provided, single submitter. Criteria: GeneDx Variant Classification Process June 2021. Collection method: clinical testing. Allele origin: germline. Affected: yes.
Comment: This variant is associated with the following publications: (PMID: 16229747, 17003361, 14764823, 10545531, 27634015)

Personalized Diabetes Medicine Program, University of Maryland School of Medicine
Classification: Benign for Monogenic diabetes. Last evaluated: 2018-12-07. Review status: criteria provided, single submitter. Criteria: ACMG Guidelines, 2015. Collection method: research. Allele origin: unknown. Observed: 17 variant alleles, 17 heterozygotes.
Comment: ACMG criteria: BP4 (CADD and indel predictor PROVEAN calls neutral, DDIG-indel 90% probability that it is neurtal), BA1 (7.5% in African and 38 homo in gnomAD), PM4 (nonframeshift protein length changing), PS3 (decrease in insulin promoter activity, PMID: 10545531), PP1mod (2 familes with 5 individuals each segregating, PMID: 10545531- 1999 paper, only looked at PDX1 variant)--> conflicting data BUT 7.5% in African --> BA1= benign

Ambry Genetics
Classification: Benign for Maturity-onset diabetes of the young. Last evaluated: 2017-09-18. Review status: criteria provided, single submitter. Criteria: Ambry Variant Classification Scheme 2023. Collection method: clinical testing. Allele origin: germline.

Eurofins Ntd Llc (ga)
Classification: Benign. Last evaluated: 2015-06-25. Review status: criteria provided, single submitter. Criteria: EGL Classification Definitions. Collection method: clinical testing. Allele origin: germline. Observed: 1 variant allele, 1 heterozygote.

Women's Health and Genetics/Laboratory Corporation of America, LabCorp
Classification: Benign for MODY4. Last evaluated: 2011-08-18. Review status: criteria provided, single submitter. Criteria: LabCorp Variant Classification Summary - May 2015. Collection method: clinical testing. Allele origin: not applicable. Inheritance: autosomal unknown.
ClinVar note: Converted during submission from benign to Benign.

Women's Health and Genetics/Laboratory Corporation of America, LabCorp
Classification: Uncertain significance for Neonatal Diabetes Mellitus. Last evaluated: 2011-08-18. Review status: criteria provided, single submitter. Criteria: LabCorp Variant Classification Summary - May 2015. Collection method: curation, clinical testing. Allele origin: germline. Inheritance: autosomal recessive. Affected: yes. Observed: 10 variant alleles.
ClinVar note: Converted during submission from uncertain to Uncertain significance.

OMIM
Classification: risk factor for TYPE 2 DIABETES MELLITUS, SUSCEPTIBILITY TO. Last evaluated: 1999-11-01. Review status: no assertion criteria provided. Collection method: literature only. Allele origin: germline. Not counted in ClinVar's aggregate classification.

Literature cited by the submitters: PubMed 15001545 (cited by Athena Diagnostics and Women's Health and Genetics/Laboratory Corporation of America, LabCorp); PubMed 10545531 (cited by 5 submitters); PubMed 14764823 (cited by 3 submitters); PubMed 16229747 (cited by 3 submitters); PubMed 17003361 (cited by 3 submitters); PubMed 12618559 (cited by Women's Health and Genetics/Laboratory Corporation of America, LabCorp); PubMed 11022198 (cited by Women's Health and Genetics/Laboratory Corporation of America, LabCorp); PubMed 11834421 (cited by Women's Health and Genetics/Laboratory Corporation of America, LabCorp).

NM_000209.4(PDX1):c.714GCC[6] (p.Pro244_Gly245insPro)

Gene: PDX1 (pancreatic and duodenal homeobox 1; plus strand). Cytogenetic location: 13q12.2.
Variant type: Microsatellite.
Coding change: c.714GCC[6] on transcript NM_000209.4 (MANE Select); six copies in a row of the 3-base unit GCC starting at c.714; the reference has five copies in a row; one copy, 3 bases duplicated; also written c.726_728dup.
Protein change: p.Pro244_Gly245insPro.
Molecular consequence: inframe insertion.
Genome position (GRCh38, 1-based): chr13:27,924,575-27,924,577, GCC duplicated; duplicating any 3 consecutive bases within chr13:27,924,563-27,924,577 gives the same sequence; the position shown is the placement nearest the transcript's 3' end. VCF-style (leftmost placement, unchanged base first): chr13-27924562-T-TGCC. GRCh37 (hg19) VCF-style: chr13-28498699-T-TGCC.
Other names: c.726_728dupGCC (NM_000209.4); c.726_728dup (NM_000209.3, NM_000209.4).
Identifiers: ClinVar variation 36412 (VCV000036412.29), dbSNP rs193922357, ClinGen allele CA214982.
Genomic context (GRCh38, chr13:27,924,562, plus strand): 5'-GCGGGGTCGCGGAGCCTGAGCAGGACTGCGCCGTGACCTCCGGCGAGGAGCTTCTGGCGC[T>TGCC]GCCGCCGCCGCCGCCCCCCGGAGGTGCTGTGCCGCCCGCTGCCCCCGTTGCCGCCCGAGA-3'